The following is an entry in ClinVar:

NM_000059.4(BRCA2):c.908C>A (p.Ser303Tyr)

Gene: BRCA2 (BRCA2 DNA repair associated; plus strand). Cytogenetic location: 13q13.1.
Variant type: single nucleotide variant.
Coding change: c.908C>A on transcript NM_000059.4 (MANE Select); coding-DNA position 908, C replaced by A.
Protein change: p.Ser303Tyr; replaces serine 303 with tyrosine.
Molecular consequence: missense variant.
Genome position (GRCh38, 1-based): chr13:32,332,386, C>A. VCF-style: chr13-32332386-C-A. GRCh37 (hg19) VCF-style: chr13-32906523-C-A.
Other names: short protein forms S303Y.
Identifiers: ClinVar variation 462512 (VCV000462512.10), dbSNP rs867323565, ClinGen allele CA387760692.

ClinVar aggregate classification (germline): Conflicting classifications of pathogenicity. Review status: criteria provided, conflicting classifications (1 of 4 stars). 2 submissions from 2 submitters: Uncertain significance (1); Likely benign (1). Last evaluated 2023-03-23.

Conditions:
Hereditary breast ovarian cancer syndrome. Also called: Hereditary breast and ovarian cancer syndrome (HBOC); Hereditary breast and ovarian cancer syndrome; Breast and ovarian cancer; Hereditary breast and/or ovarian cancer syndrome; Hereditary breast and ovarian cancer; BRCA1- and BRCA2-Associated Hereditary Breast and Ovarian Cancer. Identifiers: Orphanet 145, MedGen C0677776, MeSH D061325, MONDO:0003582. Disease mechanism: loss of function.
Hereditary cancer-predisposing syndrome. Also called: Neoplastic Syndromes, Hereditary; Hereditary Cancer Syndrome; Hereditary neoplastic syndrome; Tumor predisposition. Identifiers: Orphanet 140162, MedGen C0027672, MeSH D009386, MONDO:0015356.

Submissions (2):

University of Washington Department of Laboratory Medicine, University of Washington
Classification: Likely benign for Hereditary cancer-predisposing syndrome. Last evaluated: 2023-03-23. Review status: criteria provided, single submitter. Criteria: Dines et al. (Genet Med. 2020). Collection method: curation. Allele origin: germline.
Comment: Missense variant in a coldspot region where missense variants are very unlikely to be pathogenic (PMID:31911673).

BRCA2 exon 10 coldspot. Reclassification based on statistical prior probability.

Labcorp Genetics (formerly Invitae), Labcorp
Classification: Uncertain significance for Hereditary breast ovarian cancer syndrome. Last evaluated: 2017-06-08. Review status: criteria provided, single submitter. Criteria: Invitae Variant Classification Sherloc (09022015). Collection method: clinical testing. Allele origin: germline.
Comment: This sequence change replaces serine with tyrosine at codon 303 of the BRCA2 protein (p.Ser303Tyr). The serine residue is weakly conserved and there is a large physicochemical difference between serine and tyrosine. This variant is not present in population databases (ExAC no frequency). This variant has not been reported in the literature in individuals with a BRCA2-related disease. Algorithms developed to predict the effect of missense changes on protein structure and function do not agree on the potential impact of this missense change (SIFT: "Tolerated"; PolyPhen-2: "Possibly Damaging"; Align-GVGD: "Class C0"). In summary, this variant has uncertain impact on BRCA2 function. The available evidence is currently insufficient to determine its role in disease. Therefore, it has been classified as a Variant of Uncertain Significance.